The following is an entry in ClinVar:

NM_005430.4(WNT1):c.619C>T (p.Arg207Cys)

Gene: WNT1 (Wnt family member 1; plus strand). Cytogenetic location: 12q13.12.
Variant type: single nucleotide variant.
Coding change: c.619C>T on transcript NM_005430.4 (MANE Select); coding-DNA position 619, C replaced by T.
Protein change: p.Arg207Cys; replaces arginine 207 with cysteine.
Molecular consequence: missense variant.
Genome position (GRCh38, 1-based): chr12:48,980,684, C>T. VCF-style: chr12-48980684-C-T. GRCh37 (hg19) VCF-style: chr12-49374467-C-T.
Other names: short protein forms R207C.
Identifiers: ClinVar variation 2805568 (VCV002805568.3), dbSNP rs1437398766, ClinGen allele CA384632808.
Genomic context (GRCh38, chr12:48,980,684, plus strand): 5'-TCCGGGGAGAAGGGGCGGGACCTGCGCTTCCTCATGAACCTTCACAACAACGAGGCAGGC[C>T]GTACGGTGAGCTTTGAGAGGCTCCGCACCCTAAGCGGAGCGGCAGGGGCCAACCTCGGGC-3'
Protein context (NP_005421.1, residues 197-217): LMNLHNNEAG[Arg207Cys]TTVFSEMRQE

ClinVar aggregate classification (germline): Uncertain significance (1 of 4 stars; one submission).

Submission:

Labcorp Genetics (formerly Invitae), Labcorp
Classification: Uncertain significance. Last evaluated: 2023-07-26. Review status: criteria provided, single submitter. Criteria: Invitae Variant Classification Sherloc (09022015). Collection method: clinical testing. Allele origin: germline.
Comment: In summary, the available evidence is currently insufficient to determine the role of this variant in disease. Therefore, it has been classified as a Variant of Uncertain Significance. This variant disrupts the p.Arg207 amino acid residue in WNT1. Other variant(s) that disrupt this residue have been determined to be pathogenic (PMID: 30715774). This suggests that this residue is clinically significant, and that variants that disrupt this residue are likely to be disease-causing. Advanced modeling of protein sequence and biophysical properties (such as structural, functional, and spatial information, amino acid conservation, physicochemical variation, residue mobility, and thermodynamic stability) performed at Invitae indicates that this missense variant is expected to disrupt WNT1 protein function. This variant has not been reported in the literature in individuals affected with WNT1-related conditions. This variant is not present in population databases (gnomAD no frequency). This sequence change replaces arginine, which is basic and polar, with cysteine, which is neutral and slightly polar, at codon 207 of the WNT1 protein (p.Arg207Cys).

Literature cited by the submitters: PubMed 30715774.